The following is an entry in ClinVar:

NM_000156.6(GAMT):c.590T>C (p.Leu197Pro)

Gene: GAMT (guanidinoacetate N-methyltransferase; minus strand). Cytogenetic location: 19p13.3.
Variant type: single nucleotide variant.
Coding change: c.590T>C on transcript NM_000156.6 (MANE Select); coding-DNA position 590, T replaced by C.
Protein change: p.Leu197Pro; replaces leucine 197 with proline.
Molecular consequence: missense variant.
Genome position (GRCh38, 1-based): chr19:1,397,480, A>G on the plus strand (T>C on the coding strand, the complement: GAMT is on the minus strand). VCF-style: chr19-1397480-A-G. GRCh37 (hg19) VCF-style: chr19-1397479-A-G.
Other names: NM_000156.6:c.590T>C; c.590T>C (NM_000156.5); short protein forms L197P.
Identifiers: ClinVar variation 2570638 (VCV002570638.6), dbSNP rs2082607260, ClinGen allele CA402990982.

ClinVar aggregate classification (germline): Pathogenic. Review status: reviewed by expert panel (3 of 4 stars). 4 submissions from 4 submitters: Pathogenic (1). 3 of the submissions do not count toward it. Last evaluated 2025-12-10.

Conditions:
Deficiency of guanidinoacetate methyltransferase (CCDS2). Also called: Guanidinoacetate Methyltransferase (GAMT) Deficiency; GAMT DEFICIENCY; CEREBRAL CREATINE DEFICIENCY SYNDROME 2. Identifiers: Orphanet 382, MedGen C0574080, MONDO:0012999, OMIM 612736.

Allele frequency attached by ClinVar (database versions not stated): gnomAD exomes below 0.00001.
gnomAD v4.1: 4 of 1,606,230 alleles (0.00025%); highest among the groups gnomAD compares: Non-Finnish European, 0.00034%; no homozygotes.

Submissions (4):

ClinGen Cerebral Creatine Deficiency Syndromes Variant Curation Expert Panel, ClinGen
Classification: Pathogenic for Deficiency of guanidinoacetate methyltransferase. Last evaluated: 2025-12-10. Review status: reviewed by expert panel. Criteria: ClinGen CCDS ACMG Specifications GAMT V2.0.0. Collection method: curation. Allele origin: germline. Inheritance: Autosomal recessive inheritance.
Comment: The NM_000156.6:c.590T>C variant in GAMT is a missense variant predicted to cause substitution of leucine by proline at amino acid 197 (p.Leu197Pro). This variant has been detected in two unrelated individuals with elevated guanidinoacetate with low creatine in both plasma and urine; in addition, one of these individuals had a brain MRS which revealed no creatine peak (PMID: 16293431, 19288536) (PP4_Strong). One of these patients was reported to be compound heterozygous for the variant and another variant in GAMT that has been classified as likely pathogenic by the ClinGen CCDS VCEP, c.526delG; the phase was confirmed by parental testing (PMID: 19288536, 19461121) (1 point). Another patient was reported to be homozygous for the variant PMID: 16293431 (0.5 points). Total 1.5 points (PM3). The highest population minor allele frequency in gnomAD v4.1.0. is 0.00000339 (4/1179854 alleles) in the European non-Finnish population, which is lower than the ClinGen CCDS VCEP’s threshold for PM2_Supporting (<0.0004), meeting this criterion (PM2_Supporting). Expression of the variant in a GAMT-deficient human fibroblast cell line resulted in <5% wild type GAMT activity indicating that this variant may impact protein function (PMID: 24415674) (PS3_Supporting). The computational predictor REVEL gives a score of 0.925 which is in the range of 0.773-0.932, evidence that correlates with impact to GAMT function at the moderate level (PMID: 36413997) (PP3_Moderate). There is a ClinVar entry for this variant (Variation ID: 2570638). In summary, this variant meets the criteria to be classified as pathogenic for GAMT deficiency based on the GAMT-specific ACMG/AMP criteria applied, as specified by the ClinGen Cerebral Creatine Deficiency Syndromes Variant Curation Expert Panel (Specifications Version 2.0.0): PP4_Strong, PM3, PP3_Moderate, PS3_Supporting, PM2_Supporting. (Classification approved by the ClinGen Cerebral Creatine Deficiency Syndromes Variant Curation Expert Panel on December 10, 2025)

Natera, Inc.
Classification: Likely pathogenic for Guanidinoacetate methyltransferase deficiency. Last evaluated: 2024-06-15. Review status: criteria provided, single submitter. Criteria: Natera Variant Classification Schema (03/2026). Collection method: clinical testing. Allele origin: germline. Not counted in ClinVar's aggregate classification.
Comment: The c.590T>C variant in GAMT is a missense variant predicted to cause substitution of leucine to proline at amino acid 197. This variant is rare in the general population with a frequency below the threshold expected for the associated phenotype(s). This variant has been observed in one or more individuals affected with the associated recessive disease, as either homozygous or compound heterozygous with a second variant (PMID: 19288536, 16293431). Functional studies show that this variant may disrupt protein function (PMID: 24415674). Computational prediction algorithms indicate this variant is likely to affect gene or protein function. Given the available evidence, this variant is classified as Likely Pathogenic.

Fulgent Genetics
Classification: Likely pathogenic for Deficiency of guanidinoacetate methyltransferase. Last evaluated: 2024-03-08. Review status: criteria provided, single submitter. Criteria: ACMG Guidelines, 2015. Collection method: clinical testing. Allele origin: germline. Not counted in ClinVar's aggregate classification.

Women's Health and Genetics/Laboratory Corporation of America, LabCorp
Classification: Likely pathogenic for Deficiency of guanidinoacetate methyltransferase. Last evaluated: 2024-03-07. Review status: criteria provided, single submitter. Criteria: LabCorp Variant Classification Summary - May 2015. Collection method: clinical testing. Allele origin: germline. Not counted in ClinVar's aggregate classification.
Comment: Variant summary: GAMT c.590T>C (p.Leu197Pro) results in a non-conservative amino acid change located in the Arginine N-methyltransferase 2-like domain (IPR026480) of the encoded protein sequence. Five of five in-silico tools predict a damaging effect of the variant on protein function. The variant was absent in 243768 control chromosomes (gnomAD). c.590T>C has been reported in the literature in individuals affected with Guanidinoactetate Methyltransferase Deficiency (Leuzzi_2006, Engelke_2009). These data indicate that the variant may be associated with disease. At least one publication reports experimental evidence evaluating an impact on protein function, finding that the variant resulted in no significant enzymatic activity (Mercimek-Mahmutoglu_2014). The following publications have been ascertained in the context of this evaluation (PMID: 16293431, 19288536, 24415674). ClinVar contains an entry for this variant (Variation ID: 2570638). Based on the evidence outlined above, the variant was classified as likely pathogenic.

Literature cited by the submitters: PubMed 19288536 (cited by Natera, Inc. and Women's Health and Genetics/Laboratory Corporation of America, LabCorp); PubMed 16293431 (cited by Natera, Inc. and Women's Health and Genetics/Laboratory Corporation of America, LabCorp); PubMed 24415674 (cited by Natera, Inc. and Women's Health and Genetics/Laboratory Corporation of America, LabCorp).